The following is an entry in ClinVar:

NM_014141.6(CNTNAP2):c.1227C>G (p.Leu409=)

Gene: CNTNAP2 (contactin associated protein 2; plus strand). Cytogenetic location: 7q35.
Variant type: single nucleotide variant.
Coding change: c.1227C>G on transcript NM_014141.6 (MANE Select); coding-DNA position 1227, C replaced by G.
Protein change: p.Leu409=; no amino-acid change (leucine 409 retained).
Molecular consequence: synonymous variant.
Genome position (GRCh38, 1-based): chr7:147,132,388, C>G. VCF-style: chr7-147132388-C-G. GRCh37 (hg19) VCF-style: chr7-146829480-C-G.
Identifiers: ClinVar variation 3257552 (VCV003257552.17).

ClinVar aggregate classification (germline): Likely benign (1 of 4 stars; one submission).

gnomAD v4.1: 5 of 1,613,558 alleles (0.00031%); highest among the groups gnomAD compares: Non-Finnish European, 0.00042%; no homozygotes.

Submission:

CeGaT Center for Human Genetics Tuebingen
Classification: Likely benign. Last evaluated: 2024-07-01. Review status: criteria provided, single submitter. Criteria: CeGaT Center For Human Genetics Tuebingen Variant Classification Criteria Version 2. Collection method: clinical testing. Allele origin: germline. Affected: yes. Observed: 1 variant allele.
Comment: CNTNAP2: BP4, BP7